The following is an entry in ClinVar:

NM_006267.5(RANBP2):c.1216A>G (p.Ile406Val)

Gene: RANBP2 (RAN binding protein 2; plus strand). Cytogenetic location: 2q13.
Variant type: single nucleotide variant.
Coding change: c.1216A>G on transcript NM_006267.5 (MANE Select); coding-DNA position 1216, A replaced by G.
Protein change: p.Ile406Val; replaces isoleucine 406 with valine.
Molecular consequence: missense variant.
Genome position (GRCh38, 1-based): chr2:108,749,072, A>G. VCF-style: chr2-108749072-A-G. GRCh37 (hg19) VCF-style: chr2-109365528-A-G.
Other names: short protein forms I406V.
Identifiers: ClinVar variation 570285 (VCV000570285.5), dbSNP rs1251336337, ClinGen allele CA348046950.

ClinVar aggregate classification (germline): Uncertain significance. Review status: criteria provided, multiple submitters, no conflicts (2 of 4 stars). 2 submissions from 2 submitters: Uncertain significance (2). Last evaluated 2025-08-25.

Conditions:
Familial acute necrotizing encephalopathy (IIAE3). Also called: ENCEPHALOPATHY, ACUTE, INFECTION-INDUCED, SUSCEPTIBILITY TO, 3; Susceptibility to Acute Necrotizing Encephalopathy 1. Identifiers: Orphanet 88619, MedGen C2675556, MONDO:0011953, OMIM 608033.

Allele frequency attached by ClinVar (database versions not stated): gnomAD exomes 0.00001; gnomAD 0.00002; TOPMed 0.00003.
gnomAD v4.1: 184 of 1,611,866 alleles (0.011%); highest among the groups gnomAD compares: Non-Finnish European, 0.015%; no homozygotes.

Submissions (2):

Ambry Genetics
Classification: Uncertain significance. Last evaluated: 2025-08-25. Review status: criteria provided, single submitter. Criteria: Ambry Variant Classification Scheme 2023. Collection method: clinical testing. Allele origin: germline.

Labcorp Genetics (formerly Invitae), Labcorp
Classification: Uncertain significance for Familial acute necrotizing encephalopathy. Last evaluated: 2021-09-02. Review status: criteria provided, single submitter. Criteria: Invitae Variant Classification Sherloc (09022015). Collection method: clinical testing. Allele origin: germline.
Comment: This sequence change replaces isoleucine with valine at codon 406 of the RANBP2 protein (p.Ile406Val). The isoleucine residue is highly conserved and there is a small physicochemical difference between isoleucine and valine. This variant is not present in population databases (ExAC no frequency). This variant has not been reported in the literature in individuals affected with RANBP2-related conditions. Algorithms developed to predict the effect of missense changes on protein structure and function are either unavailable or do not agree on the potential impact of this missense change (SIFT: "Deleterious"; PolyPhen-2: "Benign"; Align-GVGD: "Class C25"). In summary, the available evidence is currently insufficient to determine the role of this variant in disease. Therefore, it has been classified as a Variant of Uncertain Significance.